The following is an entry in ClinVar:

NM_020433.5(JPH2):c.1516C>G (p.Leu506Val)

Gene: JPH2 (junctophilin 2; minus strand). Cytogenetic location: 20q13.12.
Variant type: single nucleotide variant.
Coding change: c.1516C>G on transcript NM_020433.5 (MANE Select); coding-DNA position 1516, C replaced by G.
Protein change: p.Leu506Val; replaces leucine 506 with valine.
Molecular consequence: missense variant.
Genome position (GRCh38, 1-based): chr20:44,116,159, G>C on the plus strand (C>G on the coding strand, the complement: JPH2 is on the minus strand). VCF-style: chr20-44116159-G-C. GRCh37 (hg19) VCF-style: chr20-42744799-G-C.
Other names: short protein forms L506V.
Identifiers: ClinVar variation 2978629 (VCV002978629.4), dbSNP rs772755219, ClinGen allele CA409100470.

ClinVar aggregate classification (germline): Uncertain significance. Review status: criteria provided, multiple submitters, no conflicts (2 of 4 stars). 2 submissions from 2 submitters: Uncertain significance (2). Last evaluated 2023-09-19.

Conditions:
Hypertrophic cardiomyopathy. Also called: HYPERTROPHIC MYOCARDIOPATHY. Identifiers: Orphanet 217569, MedGen C0007194, MeSH D002312, MONDO:0005045, HP:0001639.
Cardiovascular phenotype. Identifiers: MedGen CN230736.

Submissions (2):

Labcorp Genetics (formerly Invitae), Labcorp
Classification: Uncertain significance for Hypertrophic cardiomyopathy. Last evaluated: 2023-09-19. Review status: criteria provided, single submitter. Criteria: Invitae Variant Classification Sherloc (09022015). Collection method: clinical testing. Allele origin: germline.
Comment: In summary, the available evidence is currently insufficient to determine the role of this variant in disease. Therefore, it has been classified as a Variant of Uncertain Significance. An algorithm developed to predict the effect of missense changes on protein structure and function (PolyPhen-2) suggests that this variant is likely to be tolerated. This variant has not been reported in the literature in individuals affected with JPH2-related conditions. This variant is not present in population databases (gnomAD no frequency). This sequence change replaces leucine, which is neutral and non-polar, with valine, which is neutral and non-polar, at codon 506 of the JPH2 protein (p.Leu506Val).

Ambry Genetics
Classification: Uncertain significance for Cardiovascular phenotype. Last evaluated: 2023-02-23. Review status: criteria provided, single submitter. Criteria: Ambry Variant Classification Scheme 2023. Collection method: clinical testing. Allele origin: germline.
Comment: The p.L506V variant (also known as c.1516C>G), located in coding exon 4 of the JPH2 gene, results from a C to G substitution at nucleotide position 1516. The leucine at codon 506 is replaced by valine, an amino acid with highly similar properties. This amino acid position is conserved. In addition, this alteration is predicted to be tolerated by in silico analysis. Since supporting evidence is limited at this time, the clinical significance of this alteration remains unclear.